The following is an entry in ClinVar:

ClinVar aggregate classification (germline): Likely benign (1 of 4 stars; one submission).

Conditions:
Disorders of Intracellular Cobalamin Metabolism. Identifiers: MedGen CN043592.

Allele frequency attached by ClinVar (database versions not stated): TOPMed 0.00034; gnomAD 0.00036 and 0.00037; 1000 Genomes Project 30x 0.00047; 1000 Genomes Project 0.00060.

Submission:

Illumina Laboratory Services, Illumina
Classification: Likely benign for Disorders of Intracellular Cobalamin Metabolism. Last evaluated: 2018-01-12. Review status: criteria provided, single submitter. Criteria: ICSL Variant Classification Criteria 13 December 2019. Collection method: clinical testing. Allele origin: germline.
Comment: This variant was observed in the ICSL laboratory as part of a predisposition screen in an ostensibly healthy population. It had not been previously curated by ICSL or reported in the Human Gene Mutation Database (HGMD: prior to June 1st, 2018), and was therefore a candidate for classification through an automated scoring system. Utilizing variant allele frequency, disease prevalence and penetrance estimates, and inheritance mode, an automated score was calculated to assess if this variant is too frequent to cause the disease. Based on the score and internal cut-off values, a variant classified as likely benign is not then subjected to further curation. The score for this variant resulted in a classification of likely benign for this disease.

NM_000254.3(MTR):c.*1134G>A

Gene: MTR (5-methyltetrahydrofolate-homocysteine methyltransferase; plus strand). Cytogenetic location: 1q43.
Variant type: single nucleotide variant.
Coding change: c.*1134G>A on transcript NM_000254.3 (MANE Select); 1134 bases downstream of the stop codon, G replaced by A.
Molecular consequence: 3 prime UTR variant.
Genome position (GRCh38, 1-based): chr1:236,898,778, G>A. VCF-style: chr1-236898778-G-A. GRCh37 (hg19) VCF-style: chr1-237062078-G-A.
Other names: c.*1134G>A (NM_001291939.1, NM_001291940.2).
Identifiers: ClinVar variation 296607 (VCV000296607.5), dbSNP rs545746282, ClinGen allele CA10610509.